The following is an entry in ClinVar:

ClinVar aggregate classification (germline): Uncertain significance (1 of 4 stars; one submission).

Submission:

GeneDx
Classification: Uncertain significance. Last evaluated: 2026-03-10. Review status: criteria provided, single submitter. Criteria: GeneDx Variant Classification Process June 2021. Collection method: clinical testing. Allele origin: germline.
Comment: Not observed at significant frequency in large population cohorts (gnomAD); Has not been previously published as pathogenic or benign to our knowledge; Frameshift variant predicted to result in protein truncation or nonsense mediated decay in a gene for which loss of function is not an established mechanism of disease

NM_020638.3(FGF23):c.185del (p.Asp62fs)

Gene: FGF23 (fibroblast growth factor 23; minus strand). Cytogenetic location: 12p13.32.
Variant type: Deletion.
Coding change: c.185del on transcript NM_020638.3 (MANE Select); coding-DNA position 185, one base deleted (A; older notation c.185delA).
Protein change: p.Asp62fs; shifts the reading frame from aspartic acid 62.
Molecular consequence: frameshift variant.
Genome position (GRCh38, 1-based): chr12:4,379,398, T deleted on the plus strand (A on the coding strand, the reverse complement: FGF23 is on the minus strand). VCF-style (leftmost placement, unchanged base first): chr12-4379397-AT-A. GRCh37 (hg19) VCF-style: chr12-4488563-AT-A.
Other names: short protein forms D62fs.
Identifiers: ClinVar variation 5008970 (VCV005008970.1).